The following is an entry in ClinVar:

NM_001927.4(DES):c.1000G>T (p.Glu334Ter)

Gene: DES (desmin; plus strand). Cytogenetic location: 2q35.
Variant type: single nucleotide variant.
Coding change: c.1000G>T on transcript NM_001927.4 (MANE Select); coding-DNA position 1000, G replaced by T.
Protein change: p.Glu334Ter; replaces glutamic acid 334 with a stop codon.
Molecular consequence: nonsense. On other transcripts: intron variant (1).
Genome position (GRCh38, 1-based): chr2:219,420,930, G>T. VCF-style: chr2-219420930-G-T. GRCh37 (hg19) VCF-style: chr2-220285652-G-T.
Other names: c.997G>T, p.Glu333Ter (NM_001382708.1); c.1000G>T, p.Glu334Ter (NM_001382710.1, NM_001382711.1, NM_001382712.1); c.730G>T, p.Glu244Ter (NM_001382713.1); c.736-554G>T (NM_001382709.1); short protein forms E244*, E333*, E334*.
Identifiers: ClinVar variation 4790983 (VCV004790983.1).
Genomic context (GRCh38, chr2:219,420,930, plus strand): 5'-CTGCGCCAGGCCAAGCAGGAGATGATGGAATACCGACACCAGATCCAGTCCTACACCTGC[G>T]AGATTGACGCCCTGAAGGGCACTGTGAGTCCCTGCCCACCTGGCCAGGCCCTGCCCCTTC-3'

ClinVar aggregate classification (germline): Pathogenic (1 of 4 stars; one submission).

Conditions:
Desmin-related myofibrillar myopathy (MFM1). Also called: Desminopathy; Desmin related myopathy (former name); Desmin storage myopathy (former name); Myofibrillar myopathy 1; MYOFIBRILLAR MYOPATHY WITH ARRHYTHMOGENIC RIGHT VENTRICULAR CARDIOMYOPATHY; DESMIN-RELATED MYOPATHY WITH ARRHYTHMOGENIC RIGHT VENTRICULAR CARDIOMYOPATHY. Identifiers: Orphanet 363543, Orphanet 98909, MedGen C1832370, MONDO:0011076, OMIM 601419.

Submission:

Labcorp Genetics (formerly Invitae), Labcorp
Classification: Pathogenic for Desmin-related myofibrillar myopathy. Last evaluated: 2025-05-14. Review status: criteria provided, single submitter. Criteria: Invitae Variant Classification Sherloc (09022015). Collection method: clinical testing. Allele origin: germline.
Comment: This sequence change creates a premature translational stop signal (p.Glu334*) in the DES gene. It is expected to result in an absent or disrupted protein product. Loss-of-function variants in DES are known to be pathogenic (PMID: 23575897). This variant is not present in population databases (gnomAD no frequency). This variant has not been reported in the literature in individuals affected with DES-related conditions. For these reasons, this variant has been classified as Pathogenic.

Literature cited by the submitters: PubMed 23575897.